The following is an entry in ClinVar:

NM_001378778.1(MPDZ):c.2636C>T (p.Ser879Leu)

Gene: MPDZ (multiple PDZ domain crumbs cell polarity complex component; minus strand). Cytogenetic location: 9p23.
Variant type: single nucleotide variant.
Coding change: c.2636C>T on transcript NM_001378778.1 (MANE Select); coding-DNA position 2636, C replaced by T.
Protein change: p.Ser879Leu; replaces serine 879 with leucine.
Molecular consequence: missense variant.
Genome position (GRCh38, 1-based): chr9:13,183,431, G>A on the plus strand (C>T on the coding strand, the complement: MPDZ is on the minus strand). VCF-style: chr9-13183431-G-A. GRCh37 (hg19) VCF-style: chr9-13183430-G-A.
Other names: c.2636C>T (NM_003829.3); c.2636C>T, p.Ser879Leu (NM_001261406.2, NM_001261407.2, NM_001330637.2 and 14 more transcripts); short protein forms S879L.
Identifiers: ClinVar variation 1448565 (VCV001448565.8), dbSNP rs1317409272, ClinGen allele CA372935575.

ClinVar aggregate classification (germline): Uncertain significance. Review status: criteria provided, multiple submitters, no conflicts (2 of 4 stars). 2 submissions from 2 submitters: Uncertain significance (2). Last evaluated 2025-08-01.

Conditions:
Inborn genetic diseases. Identifiers: MedGen C0950123, MeSH D030342.

Allele frequency attached by ClinVar (database versions not stated): gnomAD exomes below 0.00001 and 0.00001; TOPMed 0.00002; gnomAD 0.00003.
gnomAD v4.1: 11 of 1,606,402 alleles (0.00068%); highest among the groups gnomAD compares: Non-Finnish European, 0.00093%; no homozygotes.

Submissions (2):

Ambry Genetics
Classification: Uncertain significance for Inborn genetic diseases. Last evaluated: 2025-08-01. Review status: criteria provided, single submitter. Criteria: Ambry Variant Classification Scheme 2023. Collection method: clinical testing. Allele origin: germline.

Labcorp Genetics (formerly Invitae), Labcorp
Classification: Uncertain significance. Last evaluated: 2024-01-03. Review status: criteria provided, single submitter. Criteria: Invitae Variant Classification Sherloc (09022015). Collection method: clinical testing. Allele origin: germline.
Comment: This sequence change replaces serine, which is neutral and polar, with leucine, which is neutral and non-polar, at codon 879 of the MPDZ protein (p.Ser879Leu). This variant is present in population databases (no rsID available, gnomAD 0.002%). This variant has not been reported in the literature in individuals affected with MPDZ-related conditions. ClinVar contains an entry for this variant (Variation ID: 1448565). An algorithm developed to predict the effect of missense changes on protein structure and function (PolyPhen-2) suggests that this variant¬†is likely to be tolerated. In summary, the available evidence is currently insufficient to determine the role of this variant in disease. Therefore, it has been classified as a Variant of Uncertain Significance.